The following is an entry in ClinVar:

NM_015295.3(SMCHD1):c.1608A>G (p.Lys536=)

Gene: SMCHD1 (structural maintenance of chromosomes flexible hinge domain containing 1; plus strand). Cytogenetic location: 18p11.32.
Variant type: single nucleotide variant.
Coding change: c.1608A>G on transcript NM_015295.3 (MANE Select); coding-DNA position 1608, A replaced by G.
Protein change: p.Lys536=; no amino-acid change (lysine 536 retained).
Molecular consequence: synonymous variant.
Genome position (GRCh38, 1-based): chr18:2,700,879, A>G. VCF-style: chr18-2700879-A-G. GRCh37 (hg19) VCF-style: chr18-2700877-A-G.
Identifiers: ClinVar variation 260630 (VCV000260630.39), dbSNP rs72862973, ClinGen allele CA8870756.
Genomic context (GRCh38, chr18:2,700,879, plus strand): 5'-TGACAAATTCCAGGTCAGCACAAATAAATTGACGTTTATGGATCTTGAGCTAAAATTGAA[A>G]GATAAGAACACCCTTTTTACAAGGATTTTAAATGGACAGGTATGATTTTTAAATATAAAG-3'
Protein context (NP_056110.2, residues 526-546): LTFMDLELKL[Lys536=]DKNTLFTRIL

ClinVar aggregate classification (germline): Conflicting classifications of pathogenicity. Review status: criteria provided, conflicting classifications (1 of 4 stars). 5 submissions from 5 submitters: Uncertain significance (1); Likely benign (4). Last evaluated 2026-01-12.

Conditions:
Facioscapulohumeral muscular dystrophy 2 (FSHD2). Also called: FACIOSCAPULOHUMERAL MUSCULAR DYSTROPHY 2, DIGENIC; FSHD2, DIGENIC; MUSCULAR DYSTROPHY, FACIOSCAPULOHUMERAL, TYPE 1B. Identifiers: Orphanet 269, MedGen C1834671, MONDO:0008031, OMIM 158901.

Allele frequency attached by ClinVar (database versions not stated): ExAC 0.00013; gnomAD exomes 0.00015 and 0.00028; TOPMed 0.00017; gnomAD 0.00021 and 0.00023; ESP Exome Variant Server 0.00025; 1000 Genomes Project 0.00040; 1000 Genomes Project 30x 0.00047.
gnomAD v4.1: 431 of 1,609,840 alleles (0.027%); highest among the groups gnomAD compares: Non-Finnish European, 0.036%; no homozygotes.

Submissions (5):

Labcorp Genetics (formerly Invitae), Labcorp
Classification: Likely benign for Facioscapulohumeral muscular dystrophy 2. Last evaluated: 2026-01-12. Review status: criteria provided, single submitter. Criteria: Invitae Variant Classification Sherloc (09022015). Collection method: clinical testing. Allele origin: germline.

CeGaT Center for Human Genetics Tuebingen
Classification: Likely benign. Last evaluated: 2024-01-01. Review status: criteria provided, single submitter. Criteria: CeGaT Center For Human Genetics Tuebingen Variant Classification Criteria Version 2. Collection method: clinical testing. Allele origin: germline. Affected: yes. Observed: 1 variant allele.
Comment: SMCHD1: BP4

Blueprint Genetics
Classification: Likely benign. Last evaluated: 2023-05-11. Review status: criteria provided, single submitter. Criteria: ACMG Guidelines, 2015. Collection method: clinical testing. Allele origin: germline.

Eurofins Ntd Llc (ga)
Classification: Uncertain significance. Last evaluated: 2018-07-11. Review status: criteria provided, single submitter. Criteria: EGL ClinVar v180209 classification definitions. Collection method: clinical testing. Allele origin: germline. Observed: 6 variant alleles, 6 heterozygotes.

PreventionGenetics, part of Exact Sciences
Classification: Likely benign. Review status: criteria provided, single submitter. Criteria: ACMG Guidelines, 2015. Collection method: clinical testing. Allele origin: germline.